The following is an entry in ClinVar:

ClinVar aggregate classification (germline): Uncertain significance (1 of 4 stars; one submission).

Conditions:
Joubert syndrome 20 (JBTS20). Identifiers: Orphanet 475, MedGen C3554235, MONDO:0013994, OMIM 614970.
Meckel syndrome, type 11 (MKS11). Identifiers: Orphanet 564, MedGen C3809352, MONDO:0014164, OMIM 615397.

Allele frequency attached by ClinVar (database versions not stated): gnomAD exomes below 0.00001.

Submission:

Labcorp Genetics (formerly Invitae), Labcorp
Classification: Uncertain significance for Joubert syndrome 20; Meckel syndrome, type 11. Last evaluated: 2023-10-03. Review status: criteria provided, single submitter. Criteria: Invitae Variant Classification Sherloc (09022015). Collection method: clinical testing. Allele origin: germline.
Comment: This sequence change falls in intron 5 of the TMEM231 gene. It does not directly change the encoded amino acid sequence of the TMEM231 protein. It affects a nucleotide within the consensus splice site. This variant is present in population databases (no rsID available, gnomAD 0.0009%). This variant has not been reported in the literature in individuals affected with TMEM231-related conditions. ClinVar contains an entry for this variant (Variation ID: 1980418). Variants that disrupt the consensus splice site are a relatively common cause of aberrant splicing (PMID: 17576681, 9536098). Algorithms developed to predict the effect of sequence changes on RNA splicing suggest that this variant is not likely to affect RNA splicing. In summary, the available evidence is currently insufficient to determine the role of this variant in disease. Therefore, it has been classified as a Variant of Uncertain Significance.

Literature cited by the submitters: PubMed 17576681; PubMed 9536098.

NM_001077418.3(TMEM231):c.770+6C>G

Gene: TMEM231 (transmembrane protein 231; minus strand). Cytogenetic location: 16q23.1.
Variant type: single nucleotide variant.
Coding change: c.770+6C>G on transcript NM_001077418.3 (MANE Select); 6 bases into the intron after coding-DNA position 770, C replaced by G.
Molecular consequence: intron variant.
Genome position (GRCh38, 1-based): chr16:75,541,344, G>C on the plus strand (C>G on the coding strand, the complement: TMEM231 is on the minus strand). VCF-style: chr16-75541344-G-C. GRCh37 (hg19) VCF-style: chr16-75575242-G-C.
Other names: c.929+6C>G (NM_001077416.2).
Identifiers: ClinVar variation 1980418 (VCV001980418.3), dbSNP rs1369519439, ClinGen allele CA623359937.